The following is an entry in ClinVar:

NM_002474.3(MYH11):c.4735G>A (p.Asp1579Asn)

Genes: MYH11 (myosin heavy chain 11; minus strand), NDE1 (nudE neurodevelopment protein 1; plus strand). Cytogenetic location: 16p13.11.
Variant type: single nucleotide variant.
Coding change: c.4735G>A on transcript NM_002474.3 (MANE Select); coding-DNA position 4735, G replaced by A.
Protein change: p.Asp1579Asn; replaces aspartic acid 1579 with asparagine.
Molecular consequence: missense variant. On other transcripts: intron variant (2).
Genome position (GRCh38, 1-based): chr16:15,720,895, C>T on the plus strand (G>A on the coding strand, the complement: MYH11 is on the minus strand). VCF-style: chr16-15720895-C-T. GRCh37 (hg19) VCF-style: chr16-15814752-C-T.
Other names: p.D1579N:GAT>AAT; c.4756G>A, p.Asp1586Asn (NM_001040113.2, NM_001040114.2); c.4735G>A, p.Asp1579Asn (NM_022844.3); c.948-3296C>T (NM_001143979.2, NM_017668.3); short protein forms D1579N, D1586N.
Identifiers: ClinVar variation 201079 (VCV000201079.22), dbSNP rs369751362, ClinGen allele CA306580.

ClinVar aggregate classification (germline): Conflicting classifications of pathogenicity. Review status: criteria provided, conflicting classifications (1 of 4 stars). 6 submissions from 6 submitters: Uncertain significance (2); Benign (1); Likely benign (3). Last evaluated 2026-02-03.

Conditions:
Familial thoracic aortic aneurysm and aortic dissection (TAAD). Also called: Thoracic aortic aneurysms and dissections. Identifiers: Orphanet 91387, MedGen C4707243, MONDO:0019625.
Aortic aneurysm, familial thoracic 4 (AAT4). Also called: AORTIC ANEURYSM/AORTIC DISSECTION AND PATENT DUCTUS ARTERIOSUS. Identifiers: MedGen C1851504, MONDO:0007568, OMIM 132900.

Allele frequency attached by ClinVar (database versions not stated): gnomAD exomes 0.00002 and 0.00009; gnomAD 0.00003 and 0.00009; ExAC 0.00005; TOPMed 0.00005; 1000 Genomes Project 30x 0.00078; 1000 Genomes Project 0.00100.
gnomAD v4.1: 68 of 1,614,012 alleles (0.0042%); highest among the groups gnomAD compares: East Asian, 0.056%; no homozygotes.

Submissions (6):

Labcorp Genetics (formerly Invitae), Labcorp
Classification: Likely benign for Aortic aneurysm, familial thoracic 4. Last evaluated: 2026-02-03. Review status: criteria provided, single submitter. Criteria: Invitae Variant Classification Sherloc (09022015). Collection method: clinical testing. Allele origin: germline.

GeneDx
Classification: Uncertain significance. Last evaluated: 2025-06-10. Review status: criteria provided, single submitter. Criteria: GeneDx Variant Classification Process June 2021. Collection method: clinical testing. Allele origin: germline. Affected: yes.
Comment: Observed in individuals with TAAD (PMID: 34422331, 29907982); In silico analysis supports that this missense variant has a deleterious effect on protein structure/function; This variant is associated with the following publications: (PMID: 29907982, 21529752, 34422331)

Ambry Genetics
Classification: Uncertain significance for Familial thoracic aortic aneurysm and aortic dissection. Last evaluated: 2024-11-18. Review status: criteria provided, single submitter. Criteria: Ambry Variant Classification Scheme 2023. Collection method: clinical testing. Allele origin: germline.
Comment: The p.D1579N variant (also known as c.4735G>A), located in coding exon 32 of the MYH11 gene, results from a G to A substitution at nucleotide position 4735. The aspartic acid at codon 1579 is replaced by asparagine, an amino acid with highly similar properties. This variant (also referred to as NM_001040113:c.4756G>A, p.D1586N) was reported in thoracic aortic aneurysm and dissection cohorts; however, details were limited (Overwater E et al. Hum. Mutat., 2018 09;39:1173-1192; Chen ZR et al. J Thorac Dis. 2021 Jul;13(7):4008-4022). This amino acid position is well conserved in available vertebrate species. In addition, this alteration is predicted to be tolerated by in silico analysis. Since supporting evidence is limited at this time, the clinical significance of this alteration remains unclear.

Blueprint Genetics
Classification: Likely benign. Last evaluated: 2024-10-25. Review status: criteria provided, single submitter. Criteria: ACMG Guidelines, 2015. Collection method: clinical testing. Allele origin: germline.

CHEO Genetics Diagnostic Laboratory, Children's Hospital of Eastern Ontario
Classification: Benign for Familial thoracic aortic aneurysm and aortic dissection. Last evaluated: 2020-12-03. Review status: criteria provided, single submitter. Criteria: ACMG Guidelines, 2015. Collection method: clinical testing. Allele origin: germline.

Color Diagnostics, LLC DBA Color Health
Classification: Likely benign for Familial thoracic aortic aneurysm and aortic dissection. Last evaluated: 2019-12-31. Review status: criteria provided, single submitter. Criteria: ACMG Guidelines, 2015. Collection method: clinical testing. Allele origin: germline.

Literature cited by the submitters: PubMed 29907982 (cited by Ambry Genetics); PubMed 34422331 (cited by Ambry Genetics).